The following is an entry in ClinVar:

NM_000350.3(ABCA4):c.184C>G (p.Pro62Ala)

Gene: ABCA4 (ATP binding cassette subfamily A member 4; minus strand). Cytogenetic location: 1p22.1.
Variant type: single nucleotide variant.
Coding change: c.184C>G on transcript NM_000350.3 (MANE Select); coding-DNA position 184, C replaced by G.
Protein change: p.Pro62Ala; replaces proline 62 with alanine.
Molecular consequence: missense variant.
Genome position (GRCh38, 1-based): chr1:94,111,556, G>C on the plus strand (C>G on the coding strand, the complement: ABCA4 is on the minus strand). VCF-style: chr1-94111556-G-C. GRCh37 (hg19) VCF-style: chr1-94577112-G-C.
Other names: c.184C>G, p.Pro62Ala (NM_001425324.1); short protein forms P62A.
Identifiers: ClinVar variation 2981207 (VCV002981207.4), dbSNP rs1355238974, ClinGen allele CA341285596.

ClinVar aggregate classification (germline): Pathogenic/Likely pathogenic. Review status: criteria provided, multiple submitters, no conflicts (2 of 4 stars). 2 submissions from 2 submitters: Pathogenic (1); Likely pathogenic (1). Last evaluated 2023-09-04.

Conditions:
ABCA4-related disorder. Also called: ABCA4-related disorders; ABCA4-related condition. Identifiers: MedGen CN239167.

Submissions (2):

Labcorp Genetics (formerly Invitae), Labcorp
Classification: Pathogenic. Last evaluated: 2023-09-04. Review status: criteria provided, single submitter. Criteria: Invitae Variant Classification Sherloc (09022015). Collection method: clinical testing. Allele origin: germline.
Comment: For these reasons, this variant has been classified as Pathogenic. This variant disrupts the p.Pro62 amino acid residue in ABCA4. Other variant(s) that disrupt this residue have been determined to be pathogenic (PMID: 21911583, 33546218). This suggests that this residue is clinically significant, and that variants that disrupt this residue are likely to be disease-causing. Advanced modeling of protein sequence and biophysical properties (such as structural, functional, and spatial information, amino acid conservation, physicochemical variation, residue mobility, and thermodynamic stability) performed at Invitae indicates that this missense variant is expected to disrupt ABCA4 protein function. This missense change has been observed in individuals with macular dystrophy and/or Stargardt disease (PMID: 32036094, 35119454). This variant is not present in population databases (gnomAD no frequency). This sequence change replaces proline, which is neutral and non-polar, with alanine, which is neutral and non-polar, at codon 62 of the ABCA4 protein (p.Pro62Ala).

Blueprint Genetics
Classification: Likely pathogenic for ABCA4-related disorders. Last evaluated: 2023-02-10. Review status: criteria provided, single submitter. Criteria: ACMG Guidelines, 2015. Collection method: clinical testing. Allele origin: germline. Affected: yes. Observed: 1 variant allele.

Literature cited by the submitters: PubMed 21911583 (cited by Labcorp Genetics (formerly Invitae), Labcorp); PubMed 33546218 (cited by Labcorp Genetics (formerly Invitae), Labcorp); PubMed 32036094 (cited by Labcorp Genetics (formerly Invitae), Labcorp); PubMed 35119454 (cited by Labcorp Genetics (formerly Invitae), Labcorp).